The following is an entry in ClinVar:

NM_001844.5(COL2A1):c.225C>A (p.Cys75Ter)

Gene: COL2A1 (collagen type II alpha 1 chain; minus strand). Cytogenetic location: 12q13.11.
Variant type: single nucleotide variant.
Coding change: c.225C>A on transcript NM_001844.5 (MANE Select); coding-DNA position 225, C replaced by A.
Protein change: p.Cys75Ter; replaces cysteine 75 with a stop codon.
Molecular consequence: nonsense. On other transcripts: intron variant (1).
Genome position (GRCh38, 1-based): chr12:47,999,986, G>T on the plus strand (C>A on the coding strand, the complement: COL2A1 is on the minus strand). VCF-style: chr12-47999986-G-T. GRCh37 (hg19) VCF-style: chr12-48393769-G-T.
Other names: c.86-1555C>A (NM_033150.3); short protein forms C75*.
Identifiers: ClinVar variation 2005820 (VCV002005820.4), dbSNP rs2540187525, ClinGen allele CA384526088.

ClinVar aggregate classification (germline): Pathogenic (1 of 4 stars; one submission).

Submission:

Labcorp Genetics (formerly Invitae), Labcorp
Classification: Pathogenic. Last evaluated: 2023-12-06. Review status: criteria provided, single submitter. Criteria: Invitae Variant Classification Sherloc (09022015). Collection method: clinical testing. Allele origin: germline.
Comment: This sequence change creates a premature translational stop signal (p.Cys75*) in the COL2A1 gene. It is expected to result in an absent or disrupted protein product. Loss-of-function variants in COL2A1 are known to be pathogenic (PMID: 20179744). This variant is not present in population databases (gnomAD no frequency). This variant has not been reported in the literature in individuals affected with COL2A1-related conditions. ClinVar contains an entry for this variant (Variation ID: 2005820). For these reasons, this variant has been classified as Pathogenic.

Literature cited by the submitters: PubMed 20179744.